The following is an entry in ClinVar:

NM_203288.2(RP9):c.235C>T (p.His79Tyr)

Gene: RP9 (RP9 pre-mRNA splicing factor; minus strand). Cytogenetic location: 7p14.3.
Variant type: single nucleotide variant.
Coding change: c.235C>T on transcript NM_203288.2 (MANE Select); coding-DNA position 235, C replaced by T.
Protein change: p.His79Tyr; replaces histidine 79 with tyrosine.
Molecular consequence: missense variant.
Genome position (GRCh38, 1-based): chr7:33,099,385, G>A on the plus strand (C>T on the coding strand, the complement: RP9 is on the minus strand). VCF-style: chr7-33099385-G-A. GRCh37 (hg19) VCF-style: chr7-33138997-G-A.
Other names: c.235C>T (NM_203288.1); short protein forms H79Y.
Identifiers: ClinVar variation 2059478 (VCV002059478.7), dbSNP rs140893878, ClinGen allele CA4213781.

ClinVar aggregate classification (germline): Uncertain significance. Review status: criteria provided, multiple submitters, no conflicts (2 of 4 stars). 3 submissions from 3 submitters: Uncertain significance (3). Last evaluated 2026-01-05.

Allele frequency attached by ClinVar (database versions not stated): ESP Exome Variant Server 0.00008; gnomAD 0.00004; gnomAD exomes 0.00005; 1000 Genomes Project 0.00020; TOPMed 0.00005; ExAC 0.00007; 1000 Genomes Project 30x 0.00016.

Submissions (3):

Labcorp Genetics (formerly Invitae), Labcorp
Classification: Uncertain significance. Last evaluated: 2026-01-05. Review status: criteria provided, single submitter. Criteria: Invitae Variant Classification Sherloc (09022015). Collection method: clinical testing. Allele origin: germline.
Comment: This sequence change replaces histidine, which is basic and polar, with tyrosine, which is neutral and polar, at codon 79 of the RP9 protein (p.His79Tyr). This variant is present in population databases (rs140893878, gnomAD 0.009%). This variant has not been reported in the literature in individuals affected with RP9-related conditions. ClinVar contains an entry for this variant (Variation ID: 2059478). An algorithm developed to predict the effect of missense changes on protein structure and function (PolyPhen-2) suggests that this variant is likely to be tolerated. In summary, the available evidence is currently insufficient to determine the role of this variant in disease. Therefore, it has been classified as a Variant of Uncertain Significance.

Ambry Genetics
Classification: Uncertain significance. Last evaluated: 2025-09-25. Review status: criteria provided, single submitter. Criteria: Ambry Variant Classification Scheme 2023. Collection method: clinical testing. Allele origin: germline.

Dasa
Classification: Uncertain significance. Last evaluated: 2024-12-26. Review status: criteria provided, single submitter. Criteria: DASA Assertion Criteria. Collection method: clinical testing. Allele origin: germline.
Comment: NM_203288.2(RP9):c.235C>T (p.His79Tyr) is a missense variant that results in the substitution of histidine with tyrosine. This variant is rare in population databases. Computational prediction algorithms are consistent with a benign effect. The currently available literature and clinical evidence are not sufficient to establish a definitive association between this variant and the reported condition. Therefore, this variant is classified as a variant of uncertain significance.